The following is an entry in ClinVar:

NC_000023.10:g.(?_132795752)_(132888209_?)del

Gene: GPC3 (glypican 3; minus strand). Cytogenetic location: Xq26.2.
Variant type: Deletion.
Identifiers: ClinVar variation 1069348 (VCV001069348.9).

ClinVar aggregate classification (germline): Pathogenic (1 of 4 stars; one submission).

Conditions:
Wilms tumor 1 (WT1). Also called: Wilms tumor, somatic. Identifiers: Orphanet 654, MedGen CN033288, MONDO:0008679, OMIM 194070.

Submission:

Labcorp Genetics (formerly Invitae), Labcorp
Classification: Pathogenic for Wilms tumor 1. Last evaluated: 2016-07-22. Review status: criteria provided, single submitter. Criteria: Invitae Variant Classification Sherloc (09022015). Collection method: clinical testing. Allele origin: germline.
Comment: For these reasons, this variant has been classified as Pathogenic. While this particular variant has not been reported in the literature, loss-of-function variants in GPC3 are known to be pathogenic (PMID: 10814714, 17603795). This variant is a gross deletion of the genomic region encompassing exons 3-6 of the GPC3 gene. This creates a premature translational stop signal and is expected to result in an absent or disrupted protein product.

Literature cited by the submitters: PubMed 10814714; PubMed 17603795.